The following is an entry in ClinVar:

ClinVar aggregate classification (germline): Likely pathogenic (1 of 4 stars; one submission).

Conditions:
ABCG5-related disorder. Also called: ABCG5-related condition.

gnomAD v4.1: 2 of 1,614,090 alleles (0.00012%); highest among the groups gnomAD compares: African/African-American, 0.0027%; no homozygotes.

Submission:

PreventionGenetics, part of Exact Sciences
Classification: Likely pathogenic for ABCG5-related condition. Last evaluated: 2026-06-11. Review status: criteria provided, single submitter. Criteria: ACMG Guidelines, 2015. Collection method: clinical testing. Allele origin: germline.
Comment: The ABCG5 c.1045A>T variant is predicted to result in premature protein termination (p.Lys349*). To our knowledge, this variant has not been reported in the literature. This variant is reported in 0.011% of alleles in individuals of African descent in gnomAD. Nonsense variants in ABCG5 are expected to be pathogenic. This variant is interpreted as likely pathogenic.

NM_022436.3(ABCG5):c.1045A>T (p.Lys349Ter)

Genes: ABCG5 (ATP binding cassette subfamily G member 5; minus strand), DYNC2LI1 (dynein cytoplasmic 2 light intermediate chain 1; plus strand). Cytogenetic location: 2p21.
Variant type: single nucleotide variant.
Coding change: c.1045A>T on transcript NM_022436.3 (MANE Select); coding-DNA position 1045, A replaced by T.
Protein change: p.Lys349Ter; replaces lysine 349 with a stop codon.
Molecular consequence: nonsense. On other transcripts: intron variant (2).
Genome position (GRCh38, 1-based): chr2:43,824,292, T>A on the plus strand (A>T on the coding strand, the complement: ABCG5 is on the minus strand). VCF-style: chr2-43824292-T-A. GRCh37 (hg19) VCF-style: chr2-44051431-T-A.
Other names: c.*16-3094T>A (NM_001348913.2, NM_001348912.2); short protein forms K349*.
Identifiers: ClinVar variation 4985299 (VCV004985299.1).